The following is an entry in ClinVar:

ClinVar aggregate classification (germline): Pathogenic (1 of 4 stars; one submission).

Submission:

GeneDx
Classification: Pathogenic. Last evaluated: 2026-03-29. Review status: criteria provided, single submitter. Criteria: GeneDx Variant Classification Process June 2021. Collection method: clinical testing. Allele origin: germline.
Comment: Observed in large aggregate dataset examining de novo variants in patients with various developmental disorders, which included individuals tested at GeneDx (PMID: 33057194, 35982159); Not observed at significant frequency in large population cohorts (gnomAD); In silico analysis supports that this missense variant has a deleterious effect on protein structure/function; This variant is associated with the following publications: (PMID: 33057194, 35982159)

NM_001005273.3(CHD3):c.2843C>T (p.Ser948Phe)

Gene: CHD3 (chromodomain helicase DNA binding protein 3; plus strand). Cytogenetic location: 17p13.1.
Variant type: single nucleotide variant.
Coding change: c.2843C>T on transcript NM_001005273.3 (MANE Select); coding-DNA position 2843, C replaced by T.
Protein change: p.Ser948Phe; replaces serine 948 with phenylalanine.
Molecular consequence: missense variant.
Genome position (GRCh38, 1-based): chr17:7,900,596, C>T. VCF-style: chr17-7900596-C-T. GRCh37 (hg19) VCF-style: chr17-7803914-C-T.
Other names: c.3020C>T, p.Ser1007Phe (NM_001005271.3, NM_001437504.1); c.3008C>T, p.Ser1003Phe (NM_001437507.1, NM_001437508.1, NM_001437509.1); c.2843C>T, p.Ser948Phe (NM_005852.4); short protein forms S1003F, S1007F, S948F.
Identifiers: ClinVar variation 5018460 (VCV005018460.1).
Genomic context (GRCh38, chr17:7,900,596, plus strand): 5'-TTTCTTCTCTTCTGGCTCTTAGCAACTTGGAGGGCTTCCTGGAGGAGTTTGCTGACATAT[C>T]CAAAGAGGACCAGATCAAGAAACTGCATGATTTGCTGGGGCCACACATGCTGCGGAGACT-3'
Protein context (NP_001005273.1, residues 938-958): EGFLEEFADI[Ser948Phe]KEDQIKKLHD